The following is an entry in ClinVar:

NM_000321.3(RB1):c.1323T>C (p.Ile441=)

Gene: RB1 (RB transcriptional corepressor 1; plus strand). Cytogenetic location: 13q14.2.
Variant type: single nucleotide variant.
Coding change: c.1323T>C on transcript NM_000321.3 (MANE Select); coding-DNA position 1323, T replaced by C.
Protein change: p.Ile441=; no amino-acid change (isoleucine 441 retained).
Molecular consequence: synonymous variant.
Genome position (GRCh38, 1-based): chr13:48,377,025, T>C. VCF-style: chr13-48377025-T-C. GRCh37 (hg19) VCF-style: chr13-48951161-T-C.
Identifiers: ClinVar variation 1095655 (VCV001095655.12), dbSNP rs1952832419, ClinGen allele CA483559125.

ClinVar aggregate classification (germline): Likely benign. Review status: criteria provided, multiple submitters, no conflicts (2 of 4 stars). 3 submissions from 3 submitters: Likely benign (3). Last evaluated 2024-10-10.

Conditions:
Hereditary cancer-predisposing syndrome. Also called: Hereditary Cancer Syndrome; Neoplastic Syndromes, Hereditary; Hereditary neoplastic syndrome; Tumor predisposition. Identifiers: Orphanet 140162, MedGen C0027672, MeSH D009386, MONDO:0015356.
Retinoblastoma (RB1). Also called: RETINOBLASTOMA, SOMATIC. Identifiers: Orphanet 790, MedGen C0035335, MeSH D012175, MONDO:0008380, OMIM 180200, HP:0009919. Disease mechanism: loss of function. Inheritance: Both sporadic and heritable forms are tested..

Allele frequency attached by ClinVar (database versions not stated): TOPMed below 0.00001; gnomAD 0.00001.
gnomAD v4.1: 3 of 1,613,540 alleles (0.00019%); highest among the groups gnomAD compares: East Asian, 0.0022%; no homozygotes.

Submissions (3):

Labcorp Genetics (formerly Invitae), Labcorp
Classification: Likely benign for Retinoblastoma. Last evaluated: 2024-10-10. Review status: criteria provided, single submitter. Criteria: Invitae Variant Classification Sherloc (09022015). Collection method: clinical testing. Allele origin: germline.

All of Us Research Program, National Institutes of Health
Classification: Likely benign for Retinoblastoma. Last evaluated: 2023-05-16. Review status: criteria provided, single submitter. Criteria: ACMG Guidelines, 2015. Collection method: clinical testing. Allele origin: germline. Inheritance: Autosomal dominant inheritance. Observed: 1 variant allele, 1 heterozygote.
Comment: This study involves interpretation of variants in research participants for the purpose of population health screening. Participant phenotype was not available at the time of variant classification. Additional details can be found in publication PMID: 35346344, PMCID: PMC8962531

Ambry Genetics
Classification: Likely benign for Hereditary cancer-predisposing syndrome. Last evaluated: 2021-01-27. Review status: criteria provided, single submitter. Criteria: Ambry Variant Classification Scheme 2023. Collection method: clinical testing. Allele origin: germline.